The following is an entry in ClinVar:

NM_000051.4(ATM):c.7239G>T (p.Lys2413Asn)

Genes: ATM (ATM serine/threonine kinase; plus strand), C11orf65 (chromosome 11 open reading frame 65; minus strand). Cytogenetic location: 11q22.3.
Variant type: single nucleotide variant.
Coding change: c.7239G>T on transcript NM_000051.4 (MANE Select); coding-DNA position 7239, G replaced by T.
Protein change: p.Lys2413Asn; replaces lysine 2413 with asparagine.
Molecular consequence: missense variant. On other transcripts: intron variant (2).
Genome position (GRCh38, 1-based): chr11:108,329,170, G>T. VCF-style: chr11-108329170-G-T. GRCh37 (hg19) VCF-style: chr11-108199897-G-T.
Other names: c.7239G>T, p.Lys2413Asn (NM_001351834.2); c.641-20099C>A (NM_001330368.2); c.*38+6050C>A (NM_001351110.2); short protein forms K2413N.
Identifiers: ClinVar variation 1171734 (VCV001171734.7), dbSNP rs1555122182, ClinGen allele CA382559702.
Genomic context (GRCh38, chr11:108,329,170, plus strand): 5'-TTCAGATACTCAATACCAAAGAATTGAAAACTACATGAAATCATCGGAATTTGAAAACAA[G>T]CAAGCTCTCCTGAAAAGAGCCAAAGAGGAAGTAGGTCTCCTTAGGGAACATAAAATTCAG-3'
Protein context (NP_000042.3, residues 2403-2423): NYMKSSEFEN[Lys2413Asn]QALLKRAKEE

ClinVar aggregate classification (germline): Uncertain significance. Review status: criteria provided, multiple submitters, no conflicts (2 of 4 stars). 2 submissions from 2 submitters: Uncertain significance (2). Last evaluated 2023-07-19.

Conditions:
Hereditary cancer-predisposing syndrome. Also called: Neoplastic Syndromes, Hereditary; Tumor predisposition; Hereditary Cancer Syndrome; Hereditary neoplastic syndrome. Identifiers: Orphanet 140162, MedGen C0027672, MeSH D009386, MONDO:0015356.
Ataxia-telangiectasia syndrome (AT). Also called: Ataxia telangiectasia (A-T); ATAXIA-TELANGIECTASIA, COMPLEMENTATION GROUP A; ATAXIA-TELANGIECTASIA, FRESNO VARIANT; Ataxia-telangiectasia; Ataxia-telangiectasia, complementation group E; LOUIS-BAR SYNDROME. Identifiers: Orphanet 100, MedGen C0004135, MONDO:0008840, OMIM 208900.

Submissions (2):

Labcorp Genetics (formerly Invitae), Labcorp
Classification: Uncertain significance for Ataxia-telangiectasia syndrome. Last evaluated: 2023-07-19. Review status: criteria provided, single submitter. Criteria: Invitae Variant Classification Sherloc (09022015). Collection method: clinical testing. Allele origin: germline.
Comment: In summary, the available evidence is currently insufficient to determine the role of this variant in disease. Therefore, it has been classified as a Variant of Uncertain Significance. An algorithm developed to predict the effect of missense changes on protein structure and function (PolyPhen-2) suggests that this variant is likely to be disruptive. ClinVar contains an entry for this variant (Variation ID: 1171734). This variant has not been reported in the literature in individuals affected with ATM-related conditions. This variant is not present in population databases (gnomAD no frequency). This sequence change replaces lysine, which is basic and polar, with asparagine, which is neutral and polar, at codon 2413 of the ATM protein (p.Lys2413Asn).

Color Diagnostics, LLC DBA Color Health
Classification: Uncertain significance for Hereditary cancer-predisposing syndrome. Last evaluated: 2020-08-20. Review status: criteria provided, single submitter. Criteria: ACMG Guidelines, 2015. Collection method: clinical testing. Allele origin: germline.
Comment: This missense variant replaces lysine with asparagine at codon 2413 of the ATM protein. Computational prediction is inconclusive regarding the impact of this variant on protein structure and function (internally defined REVEL score threshold 0.5 < inconclusive < 0.7, PMID: 27666373). To our knowledge, functional studies have not been reported for this variant. This variant has not been reported in individuals affected with hereditary cancer in the literature. This variant has not been identified in the general population by the Genome Aggregation Database (gnomAD). The available evidence is insufficient to determine the role of this variant in disease conclusively. Therefore, this variant is classified as a Variant of Uncertain Significance.